The following is an entry in ClinVar:

NM_001378454.1(ALMS1):c.2366A>C (p.Lys789Thr)

Gene: ALMS1 (ALMS1 centrosome and basal body associated protein; plus strand). Cytogenetic location: 2p13.1.
Variant type: single nucleotide variant.
Coding change: c.2366A>C on transcript NM_001378454.1 (MANE Select); coding-DNA position 2366, A replaced by C.
Protein change: p.Lys789Thr; replaces lysine 789 with threonine.
Molecular consequence: missense variant.
Genome position (GRCh38, 1-based): chr2:73,448,893, A>C. VCF-style: chr2-73448893-A-C. GRCh37 (hg19) VCF-style: chr2-73676020-A-C.
Other names: c.2369A>C, p.Lys790Thr (NM_015120.4); short protein forms K790T, K789T.
Identifiers: ClinVar variation 2014878 (VCV002014878.4), dbSNP rs2466094430, ClinGen allele CA347269826.

ClinVar aggregate classification (germline): Uncertain significance (1 of 4 stars; one submission).

Conditions:
Alstrom syndrome (ALMS). Identifiers: Orphanet 64, MedGen C0268425, MONDO:0008763, OMIM 203800.

Submission:

Labcorp Genetics (formerly Invitae), Labcorp
Classification: Uncertain significance for Alstrom syndrome. Last evaluated: 2022-07-07. Review status: criteria provided, single submitter. Criteria: Invitae Variant Classification Sherloc (09022015). Collection method: clinical testing. Allele origin: germline.
Comment: This sequence change replaces lysine, which is basic and polar, with threonine, which is neutral and polar, at codon 790 of the ALMS1 protein (p.Lys790Thr). In summary, the available evidence is currently insufficient to determine the role of this variant in disease. Therefore, it has been classified as a Variant of Uncertain Significance. This variant is not present in population databases (gnomAD no frequency). This variant has not been reported in the literature in individuals affected with ALMS1-related conditions.